The following is an entry in ClinVar:

ClinVar aggregate classification (germline): Uncertain significance (1 of 4 stars; one submission).

Conditions:
Early-infantile DEE. Also called: Ohtahara syndrome; Early infantile epileptic encephalopathy; Early infantile epileptic encephalopathy with suppression bursts. Identifiers: Orphanet 1934, MedGen C0393706, MONDO:0800491.

Submission:

Labcorp Genetics (formerly Invitae), Labcorp
Classification: Uncertain significance for Early-infantile DEE. Last evaluated: 2022-07-05. Review status: criteria provided, single submitter. Criteria: Invitae Variant Classification Sherloc (09022015). Collection method: clinical testing. Allele origin: germline.
Comment: ClinVar contains an entry for this variant (Variation ID: 1377624). This variant has not been reported in the literature in individuals affected with GNAO1-related conditions. This variant is not present in population databases (gnomAD no frequency). This sequence change replaces isoleucine, which is neutral and non-polar, with valine, which is neutral and non-polar, at codon 185 of the GNAO1 protein (p.Ile185Val). Algorithms developed to predict the effect of missense changes on protein structure and function (SIFT, PolyPhen-2, Align-GVGD) all suggest that this variant is likely to be disruptive. In summary, the available evidence is currently insufficient to determine the role of this variant in disease. Therefore, it has been classified as a Variant of Uncertain Significance.

NM_020988.3(GNAO1):c.553A>G (p.Ile185Val)

Gene: GNAO1 (G protein subunit alpha o1; plus strand). Cytogenetic location: 16q13.
Variant type: single nucleotide variant.
Coding change: c.553A>G on transcript NM_020988.3 (MANE Select); coding-DNA position 553, A replaced by G.
Protein change: p.Ile185Val; replaces isoleucine 185 with valine.
Molecular consequence: missense variant.
Genome position (GRCh38, 1-based): chr16:56,334,817, A>G. VCF-style: chr16-56334817-A-G. GRCh37 (hg19) VCF-style: chr16-56368729-A-G.
Other names: c.553A>G, p.Ile185Val (NM_138736.3); short protein forms I185V.
Identifiers: ClinVar variation 1377624 (VCV001377624.9), dbSNP rs2143660738, ClinGen allele CA395951634.
Genomic context (GRCh38, chr16:56,334,817, plus strand): 5'-GCCGCCGACTACCAGCCCACCGAGCAGGACATCCTCCGAACCAGGGTCAAAACCACTGGC[A>G]TCGTAGAAACCCACTTCACATTCAAGAACCTCCACTTCAGGTGAGGCCCAGAGAGGCCCC-3'
Protein context (NP_066268.1, residues 175-195): ILRTRVKTTG[Ile185Val]VETHFTFKNL